The following is an entry in ClinVar:

ClinVar aggregate classification (germline): Uncertain significance. Review status: criteria provided, multiple submitters, no conflicts (2 of 4 stars). 3 submissions from 3 submitters: Uncertain significance (3). Last evaluated 2024-12-13.

Conditions:
Metachromatic leukodystrophy (MLD). Also called: ARSA DEFICIENCY; CEREBROSIDE SULFATASE DEFICIENCY; Cerebral sclerosis diffuse metachromatic form; Arylsulfatase A Deficiency; METACHROMATIC LEUKOENCEPHALOPATHY; SULFATIDE LIPIDOSIS. Identifiers: Orphanet 512, MedGen C0023522, MONDO:0018868, OMIM 250100.

Allele frequency attached by ClinVar (database versions not stated): gnomAD 0.00001; gnomAD exomes 0.00001 and 0.00002; ExAC 0.00003.

Submissions (3):

3billion
Classification: Uncertain significance for Metachromatic leukodystrophy. Last evaluated: 2024-12-13. Review status: criteria provided, single submitter. Criteria: ACMG Guidelines, 2015. Collection method: clinical testing. Allele origin: germline. Affected: yes.
Comment: The variant is observed at an extremely low frequency in the gnomAD v4.1.0 dataset (total allele frequency: <0.001%). Predicted Consequence/Location: Missense variant In silico tool predictions suggest damaging effect of the variant on gene or gene product [REVEL: 0.73 (>=0.6, sensitivity 0.68 and specificity 0.92); 3Cnet: 0.80 (>=0.6, sensitivity 0.72 and precision 0.9)]. A different missense change at the same codon (p.Leu210Pro) has been reported to be associated with ARSA-related disorder (ClinVar ID: VCV002737067 /PMID: 27779215). However the evidence of pathogenicity is insufficient at this time. Therefore, this variant is classified as VUS according to the recommendation of ACMG/AMP guideline.

Labcorp Genetics (formerly Invitae), Labcorp
Classification: Uncertain significance for Metachromatic leukodystrophy. Last evaluated: 2021-11-01. Review status: criteria provided, single submitter. Criteria: Invitae Variant Classification Sherloc (09022015). Collection method: clinical testing. Allele origin: germline.
Comment: This sequence change replaces leucine, which is neutral and non-polar, with histidine, which is basic and polar, at codon 210 of the ARSA protein (p.Leu210His). This variant is present in population databases (rs762593908, gnomAD 0.01%). This variant has not been reported in the literature in individuals affected with ARSA-related conditions. Advanced modeling of protein sequence and biophysical properties (such as structural, functional, and spatial information, amino acid conservation, physicochemical variation, residue mobility, and thermodynamic stability) performed at Invitae indicates that this missense variant is expected to disrupt ARSA protein function. In summary, the available evidence is currently insufficient to determine the role of this variant in disease. Therefore, it has been classified as a Variant of Uncertain Significance.

Blueprint Genetics
Classification: Uncertain significance. Last evaluated: 2018-10-02. Review status: criteria provided, single submitter. Criteria: ACMG Guidelines, 2015. Collection method: clinical testing. Allele origin: germline.

Literature cited by the submitters: PubMed 27779215 (cited by 3billion).

NM_000487.6(ARSA):c.629T>A (p.Leu210His)

Gene: ARSA (arylsulfatase A; minus strand). Cytogenetic location: 22q13.33.
Variant type: single nucleotide variant.
Coding change: c.629T>A on transcript NM_000487.6 (MANE Select); coding-DNA position 629, T replaced by A.
Protein change: p.Leu210His; replaces leucine 210 with histidine.
Molecular consequence: missense variant.
Genome position (GRCh38, 1-based): chr22:50,626,889, A>T on the plus strand (T>A on the coding strand, the complement: ARSA is on the minus strand). VCF-style: chr22-50626889-A-T. GRCh37 (hg19) VCF-style: chr22-51065317-A-T.
Other names: c.629T>A, p.Leu210His (NM_001085425.3, NM_001085426.3, NM_001085427.3); c.371T>A, p.Leu124His (NM_001085428.3, NM_001362782.2); short protein forms L210H, L124H.
Identifiers: ClinVar variation 1382414 (VCV001382414.7), dbSNP rs762593908, ClinGen allele CA10324962.
Genomic context (GRCh38, chr22:50,626,889, plus strand): 5'-CTTACGTGAGAGGCATAGTACAGGAAGAAGGGGCGATCCTGGCGCTGGGCGTCGGCCATG[A>T]GGTCATGGGCGAAAGCCATGTAGCGGGCCTCTAGTCCGGGCAGCCAGGGGGGCTGCGCCT-3'
Protein context (NP_000478.3, residues 200-220): EARYMAFAHD[Leu210His]MADAQRQDRP